The following is an entry in ClinVar:

ClinVar aggregate classification (germline): Benign/Likely benign. Review status: criteria provided, multiple submitters, no conflicts (2 of 4 stars). 9 submissions from 9 submitters: Benign (2); Likely benign (3). 4 of the submissions do not count toward it. Last evaluated 2026-01-26.

Conditions:
Hereditary breast ovarian cancer syndrome. Also called: Breast and ovarian cancer; Hereditary breast and ovarian cancer; Hereditary breast and ovarian cancer syndrome; BRCA1- and BRCA2-Associated Hereditary Breast and Ovarian Cancer; Hereditary breast and ovarian cancer syndrome (HBOC); Hereditary breast and/or ovarian cancer syndrome. Identifiers: Orphanet 145, MedGen C0677776, MeSH D061325, MONDO:0003582. Disease mechanism: loss of function.
Hereditary cancer-predisposing syndrome. Also called: Tumor predisposition; Hereditary Cancer Syndrome; Neoplastic Syndromes, Hereditary; Hereditary neoplastic syndrome. Identifiers: Orphanet 140162, MedGen C0027672, MeSH D009386, MONDO:0015356.
BRCA2-related disorder. Also called: BRCA2-related condition; BRCA2-related disorders. Identifiers: MedGen CN239275.
Breast-ovarian cancer, familial, susceptibility to, 2 (BROVCA2). Also called: BRCA2 Hereditary Breast and Ovarian Cancer. Identifiers: Orphanet 145, MedGen C2675520, MONDO:0012933, OMIM 612555. Disease mechanism: loss of function.

Submissions (9):

Labcorp Genetics (formerly Invitae), Labcorp
Classification: Benign for Hereditary breast ovarian cancer syndrome. Last evaluated: 2026-01-26. Review status: criteria provided, single submitter. Criteria: Invitae Variant Classification Sherloc (09022015). Collection method: clinical testing. Allele origin: germline.

Women's Health and Genetics/Laboratory Corporation of America, LabCorp
Classification: Benign. Last evaluated: 2025-05-30. Review status: criteria provided, single submitter. Criteria: LabCorp Variant Classification Summary - May 2015. Collection method: clinical testing. Allele origin: germline.
Comment: Variant summary: BRCA2 c.9257-10dupT alters a nucleotide located at a position not widely known to affect splicing. Consensus agreement among computation tools predict no significant impact on normal splicing, which has been confirmed by functional studies analyzing patient RNA (e.g. Houdayer_2012, Montalban_2019). The variant allele was found at a frequency of 1.7e-05 in 1607432 control chromosomes. This frequency is not significantly higher than estimated for a pathogenic variant in BRCA2 causing Hereditary Breast And Ovarian Cancer Syndrome (1.7e-05 vs 0.00075), allowing no conclusion about variant significance. c.9257-10dupT has been reported in the literature in individuals affected with Hereditary Breast And Ovarian Cancer Syndrome, without strong evidence for causality (e.g. Velasco_2005, Montalban_2019), including at least 1 family where the variant did not segregate with disease. These data do not allow any conclusion about variant significance. Co-occurrences with other pathogenic variant(s) have been reported (BRCA1 c.3700_3704delGTAAA, p.Val1234_Asn1235fs; BRCA1 c.66_67delAG, p.Leu22_Glu23LeuValfs), providing supporting evidence for a benign role. To our knowledge, no experimental evidence demonstrating an impact on protein function has been reported. ClinVar contains an entry for this variant (Variation ID: 91520). Based on the evidence outlined above, the variant was classified as benign.

ARUP Laboratories, Molecular Genetics and Genomics, ARUP Laboratories
Classification: Likely benign. Last evaluated: 2021-11-09. Review status: criteria provided, single submitter. Criteria: ARUP Molecular Germline Variant Investigation Process 2021. Collection method: clinical testing. Allele origin: germline.

GeneDx
Classification: Likely benign. Last evaluated: 2017-06-22. Review status: criteria provided, single submitter. Criteria: GeneDx Variant Classification (06012015). Collection method: clinical testing. Allele origin: germline. Affected: yes.
Comment: This variant is considered likely benign or benign based on one or more of the following criteria: it is a conservative change, it occurs at a poorly conserved position in the protein, it is predicted to be benign by multiple in silico algorithms, and/or has population frequency not consistent with disease.

Color Diagnostics, LLC DBA Color Health
Classification: Likely benign for Hereditary cancer-predisposing syndrome. Last evaluated: 2017-01-22. Review status: criteria provided, single submitter. Criteria: ACMG Guidelines, 2015. Collection method: clinical testing. Allele origin: germline.

PreventionGenetics, part of Exact Sciences
Classification: Likely benign for BRCA2-related condition. Last evaluated: 2019-10-04. Review status: no assertion criteria provided. Collection method: clinical testing. Allele origin: germline. Not counted in ClinVar's aggregate classification.
Comment: This variant is classified as likely benign based on ACMG/AMP sequence variant interpretation guidelines (Richards et al. 2015 PMID: 25741868, with internal and published modifications).

Hereditary Cancer Genetics group, Vall d'Hebron Institute of Oncology
Classification: Benign for Hereditary breast and ovarian cancer syndrome. Last evaluated: 2019-03-01. Review status: no assertion criteria provided. Collection method: research. Allele origin: germline. Affected: yes. Not counted in ClinVar's aggregate classification.

Sharing Clinical Reports Project (SCRP)
Classification: Likely benign for Breast-ovarian cancer, familial 2. Last evaluated: 2011-02-25. Review status: no assertion criteria provided. Collection method: clinical testing. Allele origin: germline. Not counted in ClinVar's aggregate classification.

Breast Cancer Information Core (BIC) (BRCA2)
Classification: Uncertain significance for Breast-ovarian cancer, familial 2. Last evaluated: 2004-02-20. Review status: no assertion criteria provided. Collection method: clinical testing. Allele origin: germline. Affected: yes. Observed: 2 variant alleles. Not counted in ClinVar's aggregate classification.

Literature cited by the submitters: PubMed 15937982 (cited by Women's Health and Genetics/Laboratory Corporation of America, LabCorp); PubMed 22505045 (cited by Women's Health and Genetics/Laboratory Corporation of America, LabCorp); PubMed 31343793 (cited by Women's Health and Genetics/Laboratory Corporation of America, LabCorp); PubMed 30472649 (cited by Hereditary Cancer Genetics group, Vall d'Hebron Institute of Oncology).

NM_000059.4(BRCA2):c.9257-10dup

Gene: BRCA2 (BRCA2 DNA repair associated; plus strand). Cytogenetic location: 13q13.1.
Variant type: Duplication.
Coding change: c.9257-10dup on transcript NM_000059.4 (MANE Select); 10 bases into the intron before coding-DNA position 9257, one base duplicated (T; older notation c.9257-10dupT).
Molecular consequence: intron variant.
Genome position (GRCh38, 1-based): chr13:32,394,679, T duplicated; the last of 8 consecutive T bases (chr13:32,394,672-32,394,679); duplicating any one gives the same sequence. VCF-style (leftmost placement, unchanged base first): chr13-32394671-C-CT. GRCh37 (hg19) VCF-style: chr13-32968808-C-CT.
Other names: IVS24-10insT; c.9257-10dupT (NM_000059.3, NM_000059.4).
Identifiers: ClinVar variation 91520 (VCV000091520.32), dbSNP rs276174919, ClinGen allele CA026060.